The following is an entry in ClinVar:

ClinVar aggregate classification (germline): Uncertain significance. Review status: criteria provided, multiple submitters, no conflicts (2 of 4 stars). 2 submissions from 2 submitters: Uncertain significance (2). Last evaluated 2024-02-13.

Conditions:
Inborn genetic diseases. Identifiers: MedGen C0950123, MeSH D030342.

gnomAD v4.1: 2 of 1,599,990 alleles (0.00013%); highest among the groups gnomAD compares: East Asian, 0.0022%; no homozygotes.

Submissions (2):

Ambry Genetics
Classification: Uncertain significance for Inborn genetic diseases. Last evaluated: 2024-02-13. Review status: criteria provided, single submitter. Criteria: Ambry Variant Classification Scheme 2023. Collection method: clinical testing. Allele origin: germline.

Labcorp Genetics (formerly Invitae), Labcorp
Classification: Uncertain significance. Last evaluated: 2023-01-12. Review status: criteria provided, single submitter. Criteria: Invitae Variant Classification Sherloc (09022015). Collection method: clinical testing. Allele origin: germline.
Comment: In summary, the available evidence is currently insufficient to determine the role of this variant in disease. Therefore, it has been classified as a Variant of Uncertain Significance. Algorithms developed to predict the effect of missense changes on protein structure and function are either unavailable or do not agree on the potential impact of this missense change (SIFT: "Tolerated"; PolyPhen-2: "Probably Damaging"; Align-GVGD: "Class C0"). This variant has not been reported in the literature in individuals affected with LAMA5-related conditions. This variant is present in population databases (no rsID available, gnomAD 0.006%). This sequence change replaces arginine, which is basic and polar, with leucine, which is neutral and non-polar, at codon 206 of the LAMA5 protein (p.Arg206Leu).

NM_005560.6(LAMA5):c.617G>T (p.Arg206Leu)

Gene: LAMA5 (laminin subunit alpha 5; minus strand). Cytogenetic location: 20q13.33.
Variant type: single nucleotide variant.
Coding change: c.617G>T on transcript NM_005560.6 (MANE Select); coding-DNA position 617, G replaced by T.
Protein change: p.Arg206Leu; replaces arginine 206 with leucine.
Molecular consequence: missense variant.
Genome position (GRCh38, 1-based): chr20:62,352,312, C>A on the plus strand (G>T on the coding strand, the complement: LAMA5 is on the minus strand). VCF-style: chr20-62352312-C-A. GRCh37 (hg19) VCF-style: chr20-60927368-C-A.
Other names: c.617G>T (NM_005560.3); short protein forms R206L.
Identifiers: ClinVar variation 2956194 (VCV002956194.4), dbSNP rs373447954, ClinGen allele CA409530362.